The following is an entry in ClinVar:

NM_000939.4(POMC):c.251G>A (p.Trp84Ter)

Gene: POMC (proopiomelanocortin; minus strand). Cytogenetic location: 2p23.3.
Variant type: single nucleotide variant.
Coding change: c.251G>A on transcript NM_000939.4 (MANE Select); coding-DNA position 251, G replaced by A.
Protein change: p.Trp84Ter; replaces tryptophan 84 with a stop codon.
Molecular consequence: nonsense.
Genome position (GRCh38, 1-based): chr2:25,161,634, C>T on the plus strand (G>A on the coding strand, the complement: POMC is on the minus strand). VCF-style: chr2-25161634-C-T. GRCh37 (hg19) VCF-style: chr2-25384503-C-T.
Other names: c.251G>A, p.Trp84Ter (NM_001035256.3, NM_001319204.2, NM_001319205.2); c.251G>A (NM_000939.3); short protein forms W84*.
Identifiers: ClinVar variation 596627 (VCV000596627.6), dbSNP rs781244602, ClinGen allele CA1555347.
Genomic context (GRCh38, chr2:25,161,634, plus strand): 5'-CGCTTCTGCCCTGCGCCGCTGCTGCCGCTGCTGCTGCTGTTGCGGCGGCCGAATCGGTCC[C>T]AGCGGAAGTGGCCCATGACGTACTTCCGGGGGTTCTCGGTCAGAGGCTGCTCGTCGCCAT-3'

ClinVar aggregate classification (germline): Pathogenic. Review status: criteria provided, single submitter (1 of 4 stars). 2 submissions from 2 submitters: Pathogenic (1). 1 of the submissions does not count toward it. Last evaluated 2018-03-20.

Conditions:
POMC-related disorder. Also called: POMC-related disorders; POMC-related condition.

Allele frequency attached by ClinVar (database versions not stated): gnomAD exomes 0.00001; TOPMed 0.00001; gnomAD 0.00002; ExAC 0.00006.
gnomAD v4.1: 14 of 1,553,504 alleles (0.0009%); highest among the groups gnomAD compares: Non-Finnish European, 0.0012%; no homozygotes.

Submissions (2):

Eurofins Ntd Llc (ga)
Classification: Pathogenic. Last evaluated: 2018-03-20. Review status: criteria provided, single submitter. Criteria: EGL ClinVar v180209 classification definitions. Collection method: clinical testing. Allele origin: germline.

PreventionGenetics, part of Exact Sciences
Classification: Pathogenic for POMC-related condition. Last evaluated: 2024-03-27. Review status: no assertion criteria provided. Collection method: clinical testing. Allele origin: germline. Not counted in ClinVar's aggregate classification.
Comment: The POMC c.251G>A variant is predicted to result in premature protein termination (p.Trp84*). This variant has been reported in the homozygous or compound heterozygous state with a second apparently pathogenic variant in individuals with POMC deficiency (Anisimova et al. 2017. PubMed ID: 27906547; Wabitsch et al. 2022. PubMed ID: 35528826). This variant is reported in 0.0018% of alleles in individuals of European (Non-Finnish) descent in gnomAD. Nonsense variants in POMC are expected to be pathogenic. This variant is interpreted as pathogenic.

Literature cited by the submitters: PubMed 27906547 (cited by Eurofins Ntd Llc (ga)).